The following is an entry in ClinVar:

NM_014425.5(INVS):c.245del (p.Arg82fs)

Gene: INVS (inversin; plus strand). Cytogenetic location: 9q31.1.
Variant type: Deletion.
Coding change: c.245del on transcript NM_014425.5 (MANE Select); coding-DNA position 245, one base deleted (G; older notation c.245delG).
Protein change: p.Arg82fs; shifts the reading frame from arginine 82.
Molecular consequence: frameshift variant. On other transcripts: 5 prime UTR variant (2), non-coding transcript variant (1).
Genome position (GRCh38, 1-based): chr9:100,126,521, G deleted. VCF-style (leftmost placement, unchanged base first): chr9-100126520-AG-A. GRCh37 (hg19) VCF-style: chr9-102888802-AG-A.
Other names: c.-132del (NM_001318381.2); c.-745del (NM_001318382.2); short protein forms R82fs.
Identifiers: ClinVar variation 2821717 (VCV002821717.3), dbSNP rs2490877865, ClinGen allele CA2739264900.
Genomic context (GRCh38, chr9:100,126,520, plus strand): 5'-GATTGTGCAGATGCTCTTCTGAAGGCAGGAGCAGATGTGAATAAAACTGACCATAGCCAG[AG>A]AACAGCCCTCCATCTTGCAGCCCAGAAGGTGAGAAGTAAAATTTCCTTGAAGAGTAAATG-3'

ClinVar aggregate classification (germline): Pathogenic (1 of 4 stars; one submission).

Conditions:
Nephronophthisis. Also called: Juvenile Nephronophthisis. Identifiers: Orphanet 655, MedGen C0687120, MONDO:0019005, HP:0000090.

Submission:

Labcorp Genetics (formerly Invitae), Labcorp
Classification: Pathogenic for Nephronophthisis. Last evaluated: 2022-12-17. Review status: criteria provided, single submitter. Criteria: Invitae Variant Classification Sherloc (09022015). Collection method: clinical testing. Allele origin: germline.
Comment: For these reasons, this variant has been classified as Pathogenic. This variant has not been reported in the literature in individuals affected with INVS-related conditions. This variant is not present in population databases (gnomAD no frequency). This sequence change creates a premature translational stop signal (p.Arg82Lysfs*16) in the INVS gene. It is expected to result in an absent or disrupted protein product. Loss-of-function variants in INVS are known to be pathogenic (PMID: 12872123).

Literature cited by the submitters: PubMed 12872123.